The following is an entry in ClinVar:

NM_139058.3(ARX):c.107G>A (p.Arg36Lys)

Gene: ARX (aristaless related homeobox; minus strand). Cytogenetic location: Xp21.3.
Variant type: single nucleotide variant.
Coding change: c.107G>A on transcript NM_139058.3 (MANE Select); coding-DNA position 107, G replaced by A.
Protein change: p.Arg36Lys; replaces arginine 36 with lysine.
Molecular consequence: missense variant.
Genome position (GRCh38, 1-based): chrX:25,015,631, C>T on the plus strand (G>A on the coding strand, the complement: ARX is on the minus strand). VCF-style: chrX-25015631-C-T. GRCh37 (hg19) VCF-style: chrX-25033748-C-T.
Other names: short protein forms R36K.
Identifiers: ClinVar variation 2947635 (VCV002947635.3), dbSNP rs2519109236, ClinGen allele CA412613885.

ClinVar aggregate classification (germline): Uncertain significance (1 of 4 stars; one submission).

Conditions:
Developmental and epileptic encephalopathy, 1 (DEE1). Also called: INFANTILE SPASM SYNDROME, X-LINKED 1; X-linked infantile spasms; West's syndrome; Tonic spasms with clustering, arrest of psychomotor development and hypsarrhythmia on EEG; X-Linked Infantile Spasm Syndrome; OHTAHARA SYNDROME, X-LINKED. Identifiers: MedGen C3463992, MONDO:0010632, OMIM 308350. Disease mechanism: loss of function.
Intellectual disability, X-linked, with or without seizures, ARX-related. Also called: MENTAL RETARDATION, X-LINKED 29; MENTAL RETARDATION, X-LINKED 32; MENTAL RETARDATION, X-LINKED 33; MENTAL RETARDATION, X-LINKED 38; MENTAL RETARDATION, X-LINKED 43; MENTAL RETARDATION, X-LINKED 76. Identifiers: Orphanet 777, MedGen C0796244, MONDO:0010317, OMIM 300419.

Allele frequency attached by ClinVar (database versions not stated): gnomAD exomes below 0.00001.
gnomAD v4.1: 1 of 1,210,287 alleles (0.000083%); highest among the groups gnomAD compares: East Asian, 0.003%; no homozygotes.

Submission:

Labcorp Genetics (formerly Invitae), Labcorp
Classification: Uncertain significance for Developmental and epileptic encephalopathy, 1; Intellectual disability, X-linked, with or without seizures, ARX-related. Last evaluated: 2023-07-21. Review status: criteria provided, single submitter. Criteria: Invitae Variant Classification Sherloc (09022015). Collection method: clinical testing. Allele origin: germline.
Comment: This sequence change replaces arginine, which is basic and polar, with lysine, which is basic and polar, at codon 36 of the ARX protein (p.Arg36Lys). This variant is not present in population databases (gnomAD no frequency). This variant has not been reported in the literature in individuals affected with ARX-related conditions. Advanced modeling of protein sequence and biophysical properties (such as structural, functional, and spatial information, amino acid conservation, physicochemical variation, residue mobility, and thermodynamic stability) has been performed at Invitae for this missense variant, however the output from this modeling did not meet the statistical confidence thresholds required to predict the impact of this variant on ARX protein function. In summary, the available evidence is currently insufficient to determine the role of this variant in disease. Therefore, it has been classified as a Variant of Uncertain Significance.